The following is an entry in ClinVar:

NM_033100.4(CDHR1):c.18G>A (p.Trp6Ter)

Gene: CDHR1 (cadherin related family member 1; plus strand). Cytogenetic location: 10q23.1.
Variant type: single nucleotide variant.
Coding change: c.18G>A on transcript NM_033100.4 (MANE Select); coding-DNA position 18, G replaced by A.
Protein change: p.Trp6Ter; replaces tryptophan 6 with a stop codon.
Molecular consequence: nonsense.
Genome position (GRCh38, 1-based): chr10:84,194,778, G>A. VCF-style: chr10-84194778-G-A. GRCh37 (hg19) VCF-style: chr10-85954534-G-A.
Other names: c.18G>A, p.Trp6Ter (NM_001171971.3); short protein forms W6*.
Identifiers: ClinVar variation 1460364 (VCV001460364.6), dbSNP rs1220602138, ClinGen allele CA377369104.

ClinVar aggregate classification (germline): Pathogenic (1 of 4 stars; one submission).

Allele frequency attached by ClinVar (database versions not stated): gnomAD 0.00001; gnomAD exomes 0.00001 and 0.00002.
gnomAD v4.1: 8 of 1,524,278 alleles (0.00052%); highest among the groups gnomAD compares: South Asian, 0.0084%; no homozygotes.

Submission:

Labcorp Genetics (formerly Invitae), Labcorp
Classification: Pathogenic. Last evaluated: 2021-11-02. Review status: criteria provided, single submitter. Criteria: Invitae Variant Classification Sherloc (09022015). Collection method: clinical testing. Allele origin: germline.
Comment: This sequence change creates a premature translational stop signal (p.Trp6*) in the CDHR1 gene. It is expected to result in an absent or disrupted protein product. Loss-of-function variants in CDHR1 are known to be pathogenic (PMID: 23044944, 23591405, 26103963, 26261414). This variant is present in population databases (no rsID available, gnomAD 0.009%). This premature translational stop signal has been observed in individual(s) with inherited retinal dystrophy (PMID: 31387115). For these reasons, this variant has been classified as Pathogenic.

Literature cited by the submitters: PubMed 23044944; PubMed 23591405; PubMed 26103963; PubMed 26261414; PubMed 31387115.